The following is an entry in ClinVar:

NM_000390.4(CHM):c.534del (p.Glu179fs)

Gene: CHM (CHM Rab escort protein; minus strand). Cytogenetic location: Xq21.2.
Variant type: Deletion.
Coding change: c.534del on transcript NM_000390.4 (MANE Select); coding-DNA position 534, one base deleted (A; older notation c.534delA).
Protein change: p.Glu179fs; shifts the reading frame from glutamic acid 179.
Molecular consequence: frameshift variant.
Genome position (GRCh38, 1-based): chrX:85,963,833, T deleted on the plus strand (A on the coding strand, the reverse complement: CHM is on the minus strand); the first of 5 consecutive T bases (chrX:85,963,833-85,963,837); deleting any one gives the same sequence. VCF-style (leftmost placement, unchanged base first): chrX-85963832-CT-C. GRCh37 (hg19) VCF-style: chrX-85218837-CT-C.
Other names: c.90del, p.Glu31fs (NM_001320959.1, NM_001362517.1, NM_001362518.2 and 1 more transcripts); short protein forms E179fs, E31fs.
Identifiers: ClinVar variation 2072173 (VCV002072173.5), dbSNP rs2520272719, ClinGen allele CA2580102026.

ClinVar aggregate classification (germline): Pathogenic. Review status: criteria provided, single submitter (1 of 4 stars). 2 submissions from 2 submitters: Pathogenic (1). 1 of the submissions does not count toward it. Last evaluated 2022-10-13.

Conditions:
Retinal dystrophy. Also called: Inherited retinal dystrophy. Identifiers: Orphanet 71862, MedGen C0854723, MeSH D058499, MONDO:0019118, HP:0000556.

Submissions (2):

Labcorp Genetics (formerly Invitae), Labcorp
Classification: Pathogenic. Last evaluated: 2022-10-13. Review status: criteria provided, single submitter. Criteria: Invitae Variant Classification Sherloc (09022015). Collection method: clinical testing. Allele origin: germline.
Comment: This sequence change creates a premature translational stop signal (p.Glu179Lysfs*18) in the CHM gene. It is expected to result in an absent or disrupted protein product. Loss-of-function variants in CHM are known to be pathogenic (PMID: 9067750, 23811034). This variant is not present in population databases (gnomAD no frequency). This variant has not been reported in the literature in individuals affected with CHM-related conditions. For these reasons, this variant has been classified as Pathogenic.

Institute of Human Genetics, Univ. Regensburg, Univ. Regensburg
Classification: Pathogenic for Retinal dystrophy. Last evaluated: 2020-01-01. Review status: no assertion criteria provided. Criteria: ACMG Guidelines, 2015. Collection method: clinical testing. Allele origin: germline. Affected: yes. Not counted in ClinVar's aggregate classification.

Literature cited by the submitters: PubMed 9067750 (cited by Labcorp Genetics (formerly Invitae), Labcorp); PubMed 23811034 (cited by Labcorp Genetics (formerly Invitae), Labcorp).